The following is an entry in ClinVar:

NM_001253697.2(ERBIN):c.2911A>G (p.Ile971Val)

Gene: ERBIN (erbb2 interacting protein; plus strand). Cytogenetic location: 5q12.3.
Variant type: single nucleotide variant.
Coding change: c.2911A>G on transcript NM_001253697.2 (MANE Select); coding-DNA position 2911, A replaced by G.
Protein change: p.Ile971Val; replaces isoleucine 971 with valine.
Molecular consequence: missense variant.
Genome position (GRCh38, 1-based): chr5:66,054,229, A>G. VCF-style: chr5-66054229-A-G. GRCh37 (hg19) VCF-style: chr5-65350057-A-G.
Other names: c.2911A>G, p.Ile971Val (NM_001006600.3, NM_001253698.2, NM_001253699.2 and 1 more transcripts); c.2899A>G, p.Ile967Val (NM_001253701.2); short protein forms I967V, I971V.
Identifiers: ClinVar variation 2800221 (VCV002800221.3), dbSNP rs1263283464, ClinGen allele CA359868204.

ClinVar aggregate classification (germline): Uncertain significance (1 of 4 stars; one submission).

Allele frequency attached by ClinVar (database versions not stated): TOPMed below 0.00001.

Submission:

Labcorp Genetics (formerly Invitae), Labcorp
Classification: Uncertain significance. Last evaluated: 2022-11-29. Review status: criteria provided, single submitter. Criteria: Invitae Variant Classification Sherloc (09022015). Collection method: clinical testing. Allele origin: germline.
Comment: This sequence change replaces isoleucine, which is neutral and non-polar, with valine, which is neutral and non-polar, at codon 971 of the ERBIN protein (p.Ile971Val). This variant is not present in population databases (gnomAD no frequency). This variant has not been reported in the literature in individuals affected with ERBIN-related conditions. Algorithms developed to predict the effect of missense changes on protein structure and function (SIFT, PolyPhen-2, Align-GVGD) all suggest that this variant is likely to be tolerated. In summary, the available evidence is currently insufficient to determine the role of this variant in disease. Therefore, it has been classified as a Variant of Uncertain Significance.